The following is an entry in ClinVar:

ClinVar aggregate classification (germline): Likely pathogenic (1 of 4 stars; one submission).

Conditions:
Autosomal recessive Alport syndrome (ATS2). Also called: ALPORT SYNDROME 2, AUTOSOMAL RECESSIVE; Alport syndrome type 2; COL4A4 Alport Syndrome and Thin Basement Membrane Nephropathy; COL4A3-Related Nephropathy. Identifiers: Orphanet 63, Orphanet 88919, MedGen C4746745, MONDO:0008762, OMIM 203780.

Submission:

Myriad Genetics, Inc.
Classification: Likely pathogenic for Autosomal recessive Alport syndrome. Last evaluated: 2019-09-29. Review status: criteria provided, single submitter. Criteria: Myriad Women's Health Autosomal Recessive and X-Linked Classification Criteria (2019). Collection method: clinical testing. Allele origin: unknown.
Comment: NM_000091.4(COL4A3):c.2834C>A(S945*) is expected to be pathogenic in the context of COL4A3-related Alport syndrome. This variant is predicted to lead to an abnormal or absent protein product due to the creation of a premature termination codon in COL4A3, a gene where loss-of-function variants are known to be pathogenic. Please note: this variant was assessed in the context of healthy population screening.

NM_000091.5(COL4A3):c.2834C>A (p.Ser945Ter)

Genes: COL4A3 (collagen type IV alpha 3 chain; plus strand), MFF-DT (MFF divergent transcript; minus strand). Cytogenetic location: 2q36.3.
Variant type: single nucleotide variant.
Coding change: c.2834C>A on transcript NM_000091.5 (MANE Select); coding-DNA position 2834, C replaced by A.
Protein change: p.Ser945Ter; replaces serine 945 with a stop codon.
Molecular consequence: nonsense.
Genome position (GRCh38, 1-based): chr2:227,284,298, C>A. VCF-style: chr2-227284298-C-A. GRCh37 (hg19) VCF-style: chr2-228149014-C-A.
Other names: short protein forms S945*.
Identifiers: ClinVar variation 983592 (VCV000983592.3), dbSNP rs2072184526, ClinGen allele CA350852248.